The following is an entry in ClinVar:

ClinVar aggregate classification (germline): Conflicting classifications of pathogenicity. Review status: criteria provided, conflicting classifications (1 of 4 stars). 2 submissions from 2 submitters: Uncertain significance (1); Likely benign (1). Last evaluated 2024-02-16.

Conditions:
Primary ciliary dyskinesia 3. Identifiers: Orphanet 244, MedGen C1837618, MONDO:0012085, OMIM 608644.
Primary ciliary dyskinesia. Also called: Ciliary dyskinesia. Identifiers: Orphanet 244, MedGen C0008780, MONDO:0016575, HP:0012265.

Allele frequency attached by ClinVar (database versions not stated): gnomAD exomes below 0.00001; TOPMed below 0.00001; gnomAD 0.00001.
gnomAD v4.1: 5 of 1,614,004 alleles (0.00031%); highest among the groups gnomAD compares: African/African-American, 0.0067%; no homozygotes.

Submissions (2):

Labcorp Genetics (formerly Invitae), Labcorp
Classification: Likely benign for Primary ciliary dyskinesia. Last evaluated: 2024-02-16. Review status: criteria provided, single submitter. Criteria: Invitae Variant Classification Sherloc (09022015). Collection method: clinical testing. Allele origin: germline.

Johns Hopkins Genomics, Johns Hopkins University
Classification: Uncertain significance for Primary ciliary dyskinesia 3. Last evaluated: 2023-09-22. Review status: criteria provided, single submitter. Criteria: ACMG Guidelines, 2015. Collection method: clinical testing. Allele origin: germline.
Comment: This DNAH5 missense variant (rs1398835710) is rare (<0.1%) in a large population dataset (gnomAD v2.1.1: 1/31406 total alleles; 0.003%; no homozygotes). It has not been reported in ClinVar nor the literature, to our knowledge. Two bioinformatic tools queried predict that this substitution would be tolerated, and the valine residue at this position is evolutionarily conserved across all except two of the species assessed. We consider the clinical significance of c.10196T>C in DNAH5 to be uncertain at this time.

NM_001369.3(DNAH5):c.10196T>C (p.Val3399Ala)

Gene: DNAH5 (dynein axonemal heavy chain 5; minus strand). Cytogenetic location: 5p15.2.
Variant type: single nucleotide variant.
Coding change: c.10196T>C on transcript NM_001369.3 (MANE Select); coding-DNA position 10196, T replaced by C.
Protein change: p.Val3399Ala; replaces valine 3399 with alanine.
Molecular consequence: missense variant.
Genome position (GRCh38, 1-based): chr5:13,762,807, A>G on the plus strand (T>C on the coding strand, the complement: DNAH5 is on the minus strand). VCF-style: chr5-13762807-A-G. GRCh37 (hg19) VCF-style: chr5-13762916-A-G.
Other names: short protein forms V3399A.
Identifiers: ClinVar variation 2690902 (VCV002690902.4), dbSNP rs1398835710, ClinGen allele CA359198282.